The following is an entry in ClinVar:

NM_001369.3(DNAH5):c.12109G>T (p.Glu4037Ter)

Gene: DNAH5 (dynein axonemal heavy chain 5; minus strand). Cytogenetic location: 5p15.2.
Variant type: single nucleotide variant.
Coding change: c.12109G>T on transcript NM_001369.3 (MANE Select); coding-DNA position 12109, G replaced by T.
Protein change: p.Glu4037Ter; replaces glutamic acid 4037 with a stop codon.
Molecular consequence: nonsense.
Genome position (GRCh38, 1-based): chr5:13,721,170, C>A on the plus strand (G>T on the coding strand, the complement: DNAH5 is on the minus strand). VCF-style: chr5-13721170-C-A. GRCh37 (hg19) VCF-style: chr5-13721279-C-A.
Other names: short protein forms E4037*.
Identifiers: ClinVar variation 2113199 (VCV002113199.4), dbSNP rs775060022, ClinGen allele CA359214603.

ClinVar aggregate classification (germline): Pathogenic (1 of 4 stars; one submission).

Conditions:
Primary ciliary dyskinesia. Also called: Ciliary dyskinesia. Identifiers: Orphanet 244, MedGen C0008780, MONDO:0016575, HP:0012265.

Submission:

Labcorp Genetics (formerly Invitae), Labcorp
Classification: Pathogenic for Primary ciliary dyskinesia. Last evaluated: 2022-03-17. Review status: criteria provided, single submitter. Criteria: Invitae Variant Classification Sherloc (09022015). Collection method: clinical testing. Allele origin: germline.
Comment: This sequence change creates a premature translational stop signal (p.Glu4037*) in the DNAH5 gene. It is expected to result in an absent or disrupted protein product. Loss-of-function variants in DNAH5 are known to be pathogenic (PMID: 11788826, 16627867). This variant is not present in population databases (gnomAD no frequency). This variant has not been reported in the literature in individuals affected with DNAH5-related conditions. Algorithms developed to predict the effect of sequence changes on RNA splicing suggest that this variant may create or strengthen a splice site. For these reasons, this variant has been classified as Pathogenic.

Literature cited by the submitters: PubMed 11788826; PubMed 16627867.